The following is an entry in ClinVar:

ClinVar aggregate classification (germline): Uncertain significance (1 of 4 stars; one submission).

Conditions:
Walker-Warburg congenital muscular dystrophy. Also called: Muscular dystrophy-dystroglycanopathy, type A; Walker-Warburg syndrome. Identifiers: Orphanet 899, MedGen C0265221, MONDO:0000171.

Submission:

Labcorp Genetics (formerly Invitae), Labcorp
Classification: Uncertain significance for Walker-Warburg congenital muscular dystrophy. Last evaluated: 2020-05-05. Review status: criteria provided, single submitter. Criteria: Invitae Variant Classification Sherloc (09022015). Collection method: clinical testing. Allele origin: germline.
Comment: Algorithms developed to predict the effect of missense changes on protein structure and function are either unavailable or do not agree on the potential impact of this missense change (SIFT: "Deleterious"; PolyPhen-2: "Probably Damaging"; Align-GVGD: "Class C0"). This sequence change replaces histidine with leucine at codon 252 of the FKRP protein (p.His252Leu). The histidine residue is highly conserved and there is a moderate physicochemical difference between histidine and leucine. The frequency data for this variant in the population databases is considered unreliable, as metrics indicate insufficient coverage at this position in the ExAC database. This variant has not been reported in the literature in individuals with FKRP-related conditions. In summary, the available evidence is currently insufficient to determine the role of this variant in disease. Therefore, it has been classified as a Variant of Uncertain Significance.

NM_024301.5(FKRP):c.755A>T (p.His252Leu)

Gene: FKRP (fukutin related protein; plus strand). Cytogenetic location: 19q13.32.
Variant type: single nucleotide variant.
Coding change: c.755A>T on transcript NM_024301.5 (MANE Select); coding-DNA position 755, A replaced by T.
Protein change: p.His252Leu; replaces histidine 252 with leucine.
Molecular consequence: missense variant.
Genome position (GRCh38, 1-based): chr19:46,756,205, A>T. VCF-style: chr19-46756205-A-T. GRCh37 (hg19) VCF-style: chr19-47259462-A-T.
Other names: c.755A>T, p.His252Leu (NM_001039885.3); short protein forms H252L.
Identifiers: ClinVar variation 1009977 (VCV001009977.8), dbSNP rs2054916702, ClinGen allele CA406495945.